The following is an entry in ClinVar:

NM_020911.2(PLXNA4):c.26C>G (p.Thr9Ser)

Gene: PLXNA4 (plexin A4; minus strand). Cytogenetic location: 7q32.3.
Variant type: single nucleotide variant.
Coding change: c.26C>G on transcript NM_020911.2 (MANE Select); coding-DNA position 26, C replaced by G.
Protein change: p.Thr9Ser; replaces threonine 9 with serine.
Molecular consequence: missense variant.
Genome position (GRCh38, 1-based): chr7:132,508,668, G>C on the plus strand (C>G on the coding strand, the complement: PLXNA4 is on the minus strand). VCF-style: chr7-132508668-G-C. GRCh37 (hg19) VCF-style: chr7-132193427-G-C.
Other names: c.26C>G, p.Thr9Ser (NM_001105543.2, NM_001393897.1, NM_181775.4); short protein forms T9S.
Identifiers: ClinVar variation 5000894 (VCV005000894.1).
Genomic context (GRCh38, chr7:132,508,668, plus strand): 5'-TGCCGGGTGAGCAAAGTGGAGGAGCCCATGCCCACCATGAGGAGGTGGGAGAGAAGGCAG[G>C]TCCAGTTCCAGGGCATGGCTTTCATGGCAGAGGCGGGTCCCAGTGGCACAGCAGCACTCA-3'
Protein context (NP_065962.1, residues 1-19): MKAMPWNW[Thr9Ser]CLLSHLLMVG

ClinVar aggregate classification (germline): Uncertain significance (1 of 4 stars; one submission).

Conditions:
PLXNA4-related disorder. Also called: PLXNA4-related condition.

gnomAD v4.1: 5 of 1,551,776 alleles (0.00032%); highest among the groups gnomAD compares: African/African-American, 0.0068%; no homozygotes.

Submission:

PreventionGenetics, part of Exact Sciences
Classification: Uncertain significance for PLXNA4-related condition. Last evaluated: 2026-09-08. Review status: criteria provided, single submitter. Criteria: ACMG Guidelines, 2015. Collection method: clinical testing. Allele origin: germline.
Comment: The PLXNA4 c.26C>G variant is predicted to result in the amino acid substitution p.Thr9Ser. To our knowledge, this variant has not been reported in the literature. This variant is reported in 0.010% of alleles in individuals of African descent in gnomAD. At this time, the clinical significance of this variant is uncertain due to the absence of conclusive functional and genetic evidence.